The following is an entry in ClinVar:

NM_004100.5(EYA4):c.508T>C (p.Ser170Pro)

Gene: EYA4 (EYA transcriptional coactivator and phosphatase 4; plus strand). Cytogenetic location: 6q23.2.
Variant type: single nucleotide variant.
Coding change: c.508T>C on transcript NM_004100.5 (MANE Select); coding-DNA position 508, T replaced by C.
Protein change: p.Ser170Pro; replaces serine 170 with proline.
Molecular consequence: missense variant.
Genome position (GRCh38, 1-based): chr6:133,462,405, T>C. VCF-style: chr6-133462405-T-C. GRCh37 (hg19) VCF-style: chr6-133783543-T-C.
Other names: c.346T>C, p.Ser116Pro (NM_001301012.2, NM_001370459.1); c.508T>C, p.Ser170Pro (NM_001301013.2, NM_172105.4); c.439T>C, p.Ser147Pro (NM_001370458.1, NM_172103.4); short protein forms S147P, S170P, S116P.
Identifiers: ClinVar variation 3276893 (VCV003276893.1).

ClinVar aggregate classification (germline): Uncertain significance (1 of 4 stars; one submission).

Conditions:
Cardiovascular phenotype. Identifiers: MedGen CN230736.

gnomAD v4.1: 2 of 1,614,036 alleles (0.00012%); highest among the groups gnomAD compares: Non-Finnish European, 0.00017%; no homozygotes.

Submission:

Ambry Genetics
Classification: Uncertain significance for Cardiovascular phenotype. Last evaluated: 2024-06-07. Review status: criteria provided, single submitter. Criteria: Ambry Variant Classification Scheme 2023. Collection method: clinical testing. Allele origin: germline.
Comment: The p.S170P variant (also known as c.508T>C), located in coding exon 7 of the EYA4 gene, results from a T to C substitution at nucleotide position 508. The serine at codon 170 is replaced by proline, an amino acid with similar properties. This amino acid position is conserved. In addition, this alteration is predicted to be deleterious by in silico analysis. Based on the available evidence, the clinical significance of this variant remains unclear.